The following is an entry in ClinVar:

ClinVar aggregate classification (germline): Pathogenic (1 of 4 stars; one submission).

Submission:

Labcorp Genetics (formerly Invitae), Labcorp
Classification: Pathogenic. Last evaluated: 2023-06-16. Review status: criteria provided, single submitter. Criteria: Invitae Variant Classification Sherloc (09022015). Collection method: clinical testing. Allele origin: germline.
Comment: For these reasons, this variant has been classified as Pathogenic. Algorithms developed to predict the effect of sequence changes on RNA splicing suggest that this variant may disrupt the consensus splice site. This variant is also known as IVS1-1 ag>ac. Disruption of this splice site has been observed in individuals with oculocutaneous albinism (PMID: 9529334; Invitae). This variant is not present in population databases (gnomAD no frequency). This sequence change affects an acceptor splice site in intron 1 of the GPR143 gene. It is expected to disrupt RNA splicing. Variants that disrupt the donor or acceptor splice site typically lead to a loss of protein function (PMID: 16199547), and loss-of-function variants in GPR143 are known to be pathogenic (PMID: 15965158, 18978956, 19390656, 21541274, 26160353, 28211458).

Literature cited by the submitters: PubMed 9529334; PubMed 16199547; PubMed 15965158; PubMed 18978956; PubMed 19390656; PubMed 21541274; PubMed 26160353; PubMed 28211458.

NM_000273.3(GPR143):c.251-1G>T

Gene: GPR143 (G protein-coupled receptor 143; minus strand). Cytogenetic location: Xp22.2.
Variant type: single nucleotide variant.
Coding change: c.251-1G>T on transcript NM_000273.3 (MANE Select); the canonical splice acceptor site of the intron before coding-DNA position 251, G replaced by T.
Molecular consequence: splice acceptor variant.
Genome position (GRCh38, 1-based): chrX:9,760,827, C>A on the plus strand (G>T on the coding strand, the complement: GPR143 is on the minus strand). VCF-style: chrX-9760827-C-A. GRCh37 (hg19) VCF-style: chrX-9728867-C-A.
Identifiers: ClinVar variation 2813002 (VCV002813002.3), dbSNP rs281865177, ClinGen allele CA411999346.